The following is an entry in ClinVar:

NM_212482.4(FN1):c.6908T>C (p.Val2303Ala)

Genes: ATIC (5-aminoimidazole-4-carboxamide ribonucleotide formyltransferase/IMP cyclohydrolase; plus strand), FN1 (fibronectin 1; minus strand). Cytogenetic location: 2q35.
Variant type: single nucleotide variant.
Coding change: c.6908T>C on transcript NM_212482.4 (MANE Select); coding-DNA position 6908, T replaced by C.
Protein change: p.Val2303Ala; replaces valine 2303 with alanine.
Molecular consequence: missense variant.
Genome position (GRCh38, 1-based): chr2:215,367,973, A>G on the plus strand (T>C on the coding strand, the complement: FN1 is on the minus strand). VCF-style: chr2-215367973-A-G. GRCh37 (hg19) VCF-style: chr2-216232696-A-G.
Other names: c.6815T>C, p.Val2272Ala (NM_001306129.2); c.6278T>C, p.Val2093Ala (NM_001306130.2); c.6272T>C, p.Val2091Ala (NM_001306131.2); c.6197T>C, p.Val2066Ala (NM_001306132.2); c.6638T>C, p.Val2213Ala (NM_001365517.2); c.6635T>C, p.Val2212Ala (NM_001365518.2); c.6563T>C, p.Val2188Ala (NM_001365519.2); c.6560T>C, p.Val2187Ala (NM_001365520.2); and 8 more; short protein forms V2002A, V2066A, V2091A, V2092A, V2093A, V2097A, V2122A, V2156A.
Identifiers: ClinVar variation 1302503 (VCV001302503.2), dbSNP rs1459662938, ClinGen allele CA350463647.
Genomic context (GRCh38, chr2:215,367,973, plus strand): 5'-AACAGTTTAAAGCCTGATTCAGACATTCGTTCCCACTCATCTCCAACGGCATAATGGGAA[A>G]CTGTGTAGGGGTCAAAGCACGAGTCATCCGTAGGTTGGTTCAAGCCTTCGTTGACTATGA-3'
Protein context (NP_997647.2, residues 2293-2313): TDDSCFDPYT[Val2303Ala]SHYAVGDEWE

ClinVar aggregate classification (germline): Uncertain significance (1 of 4 stars; one submission).

Allele frequency attached by ClinVar (database versions not stated): gnomAD exomes below 0.00001.
gnomAD v4.1: 6 of 1,614,192 alleles (0.00037%); highest among the groups gnomAD compares: South Asian, 0.0055%; no homozygotes.

Submission:

GeneDx
Classification: Uncertain significance. Last evaluated: 2020-12-31. Review status: criteria provided, single submitter. Criteria: GeneDx Variant Classification Process June 2021. Collection method: clinical testing. Allele origin: germline. Affected: yes.
Comment: Not observed in large population cohorts (Lek et al., 2016); In silico analysis supports that this missense variant does not alter protein structure/function; Has not been previously published as pathogenic or benign to our knowledge